The following is an entry in ClinVar:

NM_001561.6(TNFRSF9):c.209G>A (p.Gly70Asp)

Gene: TNFRSF9 (TNF receptor superfamily member 9; minus strand). Cytogenetic location: 1p36.23.
Variant type: single nucleotide variant.
Coding change: c.209G>A on transcript NM_001561.6 (MANE Select); coding-DNA position 209, G replaced by A.
Protein change: p.Gly70Asp; replaces glycine 70 with aspartic acid.
Molecular consequence: missense variant.
Genome position (GRCh38, 1-based): chr1:7,938,330, C>T on the plus strand (G>A on the coding strand, the complement: TNFRSF9 is on the minus strand). VCF-style: chr1-7938330-C-T. GRCh37 (hg19) VCF-style: chr1-7998390-C-T.
Other names: c.209G>A (NM_001561.5); short protein forms G70D.
Identifiers: ClinVar variation 1366847 (VCV001366847.9), dbSNP rs202220858, ClinGen allele CA569301.

ClinVar aggregate classification (germline): Uncertain significance. Review status: criteria provided, multiple submitters, no conflicts (2 of 4 stars). 3 submissions from 3 submitters: Uncertain significance (3). Last evaluated 2025-12-06.

Conditions:
Inborn genetic diseases. Identifiers: MedGen C0950123, MeSH D030342.

Allele frequency attached by ClinVar (database versions not stated): ExAC 0.00004; gnomAD 0.00004 and 0.00005; gnomAD exomes 0.00005 and 0.00007; TOPMed 0.00006; 1000 Genomes Project 30x 0.00016; 1000 Genomes Project 0.00020.
gnomAD v4.1: 110 of 1,597,554 alleles (0.0069%); highest among the groups gnomAD compares: Non-Finnish European, 0.0055%; no homozygotes.

Submissions (3):

Labcorp Genetics (formerly Invitae), Labcorp
Classification: Uncertain significance. Last evaluated: 2025-12-06. Review status: criteria provided, single submitter. Criteria: Invitae Variant Classification Sherloc (09022015). Collection method: clinical testing. Allele origin: germline.
Comment: This sequence change replaces glycine, which is neutral and non-polar, with aspartic acid, which is acidic and polar, at codon 70 of the TNFRSF9 protein (p.Gly70Asp). This variant is present in population databases (rs202220858, gnomAD 0.09%). This variant has not been reported in the literature in individuals affected with TNFRSF9-related conditions. ClinVar contains an entry for this variant (Variation ID: 1366847). An algorithm developed to predict the effect of missense changes on protein structure and function (PolyPhen-2) suggests that this variant is likely to be disruptive. In summary, the available evidence is currently insufficient to determine the role of this variant in disease. Therefore, it has been classified as a Variant of Uncertain Significance.

Ambry Genetics
Classification: Uncertain significance for Inborn genetic diseases. Last evaluated: 2025-01-18. Review status: criteria provided, single submitter. Criteria: Ambry Variant Classification Scheme 2023. Collection method: clinical testing. Allele origin: germline.

Blueprint Genetics
Classification: Uncertain significance. Last evaluated: 2022-06-28. Review status: criteria provided, single submitter. Criteria: ACMG Guidelines, 2015. Collection method: clinical testing. Allele origin: germline.